The following is an entry in ClinVar:

NM_000368.5(TSC1):c.3182G>A (p.Ser1061Asn)

Gene: TSC1 (TSC complex subunit 1; minus strand). Cytogenetic location: 9q34.13.
Variant type: single nucleotide variant.
Coding change: c.3182G>A on transcript NM_000368.5 (MANE Select); coding-DNA position 3182, G replaced by A.
Protein change: p.Ser1061Asn; replaces serine 1061 with asparagine.
Molecular consequence: missense variant. On other transcripts: non-coding transcript variant (5).
Genome position (GRCh38, 1-based): chr9:132,896,548, C>T on the plus strand (G>A on the coding strand, the complement: TSC1 is on the minus strand). VCF-style: chr9-132896548-C-T. GRCh37 (hg19) VCF-style: chr9-135771935-C-T.
Other names: c.3179G>A, p.Ser1060Asn (NM_001162426.2, NM_001406597.1, NM_001406598.1 and 2 more transcripts); c.3029G>A, p.Ser1010Asn (NM_001162427.2, NM_001406610.1); c.2819G>A, p.Ser940Asn (NM_001362177.2, NM_001406614.1, NM_001406615.1 and 4 more transcripts); c.3182G>A, p.Ser1061Asn (NM_001406592.1, NM_001406593.1, NM_001406594.1 and 2 more transcripts); c.3167G>A, p.Ser1056Asn (NM_001406601.1, NM_001406602.1); c.3164G>A, p.Ser1055Asn (NM_001406603.1, NM_001406604.1); c.3140G>A, p.Ser1047Asn (NM_001406605.1, NM_001406606.1, NM_001406607.1); c.3137G>A, p.Ser1046Asn (NM_001406608.1, NM_001406609.1); and 8 more; short protein forms S1009N, S1010N, S1046N, S1047N, S1055N, S1056N, S1060N, S1061N.
Identifiers: ClinVar variation 3231316 (VCV003231316.1), dbSNP rs2538444784, ClinGen allele CA375367114.

ClinVar aggregate classification (germline): Uncertain significance (1 of 4 stars; one submission).

Conditions:
Hereditary cancer-predisposing syndrome. Also called: Neoplastic Syndromes, Hereditary; Tumor predisposition; Hereditary neoplastic syndrome; Hereditary Cancer Syndrome. Identifiers: Orphanet 140162, MedGen C0027672, MeSH D009386, MONDO:0015356.

Submission:

Ambry Genetics
Classification: Uncertain significance for Hereditary cancer-predisposing syndrome. Last evaluated: 2024-03-10. Review status: criteria provided, single submitter. Criteria: Ambry Variant Classification Scheme 2023. Collection method: clinical testing. Allele origin: germline.
Comment: The p.S1061N variant (also known as c.3182G>A), located in coding exon 21 of the TSC1 gene, results from a G to A substitution at nucleotide position 3182. The serine at codon 1061 is replaced by asparagine, an amino acid with highly similar properties. This amino acid position is conserved. In addition, this alteration is predicted to be tolerated by in silico analysis. Based on the available evidence, the clinical significance of this alteration remains unclear.